The following is an entry in ClinVar:

ClinVar aggregate classification (germline): Uncertain significance (1 of 4 stars; one submission).

Allele frequency attached by ClinVar (database versions not stated): gnomAD exomes below 0.00001.
gnomAD v4.1: 2 of 1,551,086 alleles (0.00013%); highest among the groups gnomAD compares: Non-Finnish European, 0.00017%; no homozygotes.

Submission:

Labcorp Genetics (formerly Invitae), Labcorp
Classification: Uncertain significance. Last evaluated: 2022-08-17. Review status: criteria provided, single submitter. Criteria: Invitae Variant Classification Sherloc (09022015). Collection method: clinical testing. Allele origin: germline.
Comment: This sequence change replaces threonine, which is neutral and polar, with isoleucine, which is neutral and non-polar, at codon 644 of the EYS protein (p.Thr644Ile). This variant is not present in population databases (gnomAD no frequency). This variant has not been reported in the literature in individuals affected with EYS-related conditions. Algorithms developed to predict the effect of missense changes on protein structure and function output the following: SIFT: "Tolerated"; PolyPhen-2: "Benign"; Align-GVGD: "Class C0". The isoleucine amino acid residue is found in multiple mammalian species, which suggests that this missense change does not adversely affect protein function. In summary, the available evidence is currently insufficient to determine the role of this variant in disease. Therefore, it has been classified as a Variant of Uncertain Significance.

NM_001142800.2(EYS):c.1931C>T (p.Thr644Ile)

Gene: EYS (EGF-like photoreceptor maintenance factor; minus strand). Cytogenetic location: 6q12.
Variant type: single nucleotide variant.
Coding change: c.1931C>T on transcript NM_001142800.2 (MANE Select); coding-DNA position 1931, C replaced by T.
Protein change: p.Thr644Ile; replaces threonine 644 with isoleucine.
Molecular consequence: missense variant.
Genome position (GRCh38, 1-based): chr6:65,295,955, G>A on the plus strand (C>T on the coding strand, the complement: EYS is on the minus strand). VCF-style: chr6-65295955-G-A. GRCh37 (hg19) VCF-style: chr6-66005848-G-A.
Other names: c.1931C>T, p.Thr644Ile (NM_001292009.2); short protein forms T644I.
Identifiers: ClinVar variation 1997007 (VCV001997007.4), dbSNP rs2533012703, ClinGen allele CA364659491.